The following is an entry in ClinVar:

ClinVar aggregate classification (germline): Uncertain significance. Review status: criteria provided, multiple submitters, no conflicts (2 of 4 stars). 2 submissions from 2 submitters: Uncertain significance (2). Last evaluated 2024-09-27.

Conditions:
BARD1-related disorder. Also called: BARD1-related condition.
Familial cancer of breast. Also called: Hereditary breast cancer; hereditary breast carcinoma; BREAST CANCER, FAMILIAL. Identifiers: Orphanet 227535, MedGen C0346153, MONDO:0016419, OMIM 114480. Disease mechanism: loss of function.

Submissions (2):

Labcorp Genetics (formerly Invitae), Labcorp
Classification: Uncertain significance for Familial cancer of breast. Last evaluated: 2024-09-27. Review status: criteria provided, single submitter. Criteria: Invitae Variant Classification Sherloc (09022015). Collection method: clinical testing. Allele origin: germline.
Comment: This sequence change replaces arginine, which is basic and polar, with threonine, which is neutral and polar, at codon 749 of the BARD1 protein (p.Arg749Thr). This variant is not present in population databases (gnomAD no frequency). This variant has not been reported in the literature in individuals affected with BARD1-related conditions. ClinVar contains an entry for this variant (Variation ID: 853807). An algorithm developed to predict the effect of missense changes on protein structure and function (PolyPhen-2) suggests that this variant is likely to be tolerated. In summary, the available evidence is currently insufficient to determine the role of this variant in disease. Therefore, it has been classified as a Variant of Uncertain Significance.

PreventionGenetics, part of Exact Sciences
Classification: Uncertain significance for BARD1-related condition. Last evaluated: 2023-02-20. Review status: criteria provided, single submitter. Criteria: ACMG Guidelines, 2015. Collection method: clinical testing. Allele origin: germline.
Comment: The BARD1 c.2246G>C variant is predicted to result in the amino acid substitution p.Arg749Thr. To our knowledge, this variant has not been reported in the literature or in a large population database, indicating this variant is rare. It is interpreted as uncertain significance in ClinVar. At this time, the clinical significance of this variant is uncertain due to the absence of conclusive functional and genetic evidence.

NM_000465.4(BARD1):c.2246G>C (p.Arg749Thr)

Gene: BARD1 (BRCA1 associated RING domain 1; minus strand). Cytogenetic location: 2q35.
Variant type: single nucleotide variant.
Coding change: c.2246G>C on transcript NM_000465.4 (MANE Select); coding-DNA position 2246, G replaced by C.
Protein change: p.Arg749Thr; replaces arginine 749 with threonine.
Molecular consequence: missense variant. On other transcripts: non-coding transcript variant (3).
Genome position (GRCh38, 1-based): chr2:214,728,764, C>G on the plus strand (G>C on the coding strand, the complement: BARD1 is on the minus strand). VCF-style: chr2-214728764-C-G. GRCh37 (hg19) VCF-style: chr2-215593488-C-G.
Other names: c.2189G>C, p.Arg730Thr (NM_001282543.2); c.893G>C, p.Arg298Thr (NM_001282545.2); c.836G>C, p.Arg279Thr (NM_001282548.2); c.707G>C, p.Arg236Thr (NM_001282549.2); short protein forms R236T, R279T, R730T, R749T, R298T.
Identifiers: ClinVar variation 853807 (VCV000853807.11), dbSNP rs1692200373, ClinGen allele CA350450004.